The following is an entry in ClinVar:

ClinVar aggregate classification (germline): Uncertain significance (1 of 4 stars; one submission).

Conditions:
Immunodeficiency, common variable, 7. Identifiers: Orphanet 1572, Orphanet 696894, MedGen C3542922, MONDO:0013862, OMIM 614699.

Allele frequency attached by ClinVar (database versions not stated): ExAC 0.00003; 1000 Genomes Project 30x 0.00016; 1000 Genomes Project 0.00020; TOPMed 0.00006; gnomAD exomes 0.00002 and 0.00001; gnomAD 0.00004; ESP Exome Variant Server 0.00023.
gnomAD v4.1: 20 of 1,613,790 alleles (0.0012%); highest among the groups gnomAD compares: African/African-American, 0.024%; no homozygotes.

Submission:

Labcorp Genetics (formerly Invitae), Labcorp
Classification: Uncertain significance for Immunodeficiency, common variable, 7. Last evaluated: 2023-05-22. Review status: criteria provided, single submitter. Criteria: Invitae Variant Classification Sherloc (09022015). Collection method: clinical testing. Allele origin: germline.
Comment: This variant has not been reported in the literature in individuals affected with CR2-related conditions. This sequence change replaces lysine, which is basic and polar, with glutamic acid, which is acidic and polar, at codon 915 of the CR2 protein (p.Lys915Glu). The frequency data for this variant in the population databases is considered unreliable, as metrics indicate poor data quality at this position in the gnomAD database. ClinVar contains an entry for this variant (Variation ID: 643418). Algorithms developed to predict the effect of missense changes on protein structure and function output the following: SIFT: "Not Available"; PolyPhen-2: "Benign"; Align-GVGD: "Not Available". The glutamic acid amino acid residue is found in multiple mammalian species, which suggests that this missense change does not adversely affect protein function. In summary, the available evidence is currently insufficient to determine the role of this variant in disease. Therefore, it has been classified as a Variant of Uncertain Significance.

NM_001006658.3(CR2):c.2743A>G (p.Lys915Glu)

Gene: CR2 (complement C3d receptor 2; plus strand). Cytogenetic location: 1q32.2.
Variant type: single nucleotide variant.
Coding change: c.2743A>G on transcript NM_001006658.3 (MANE Select); coding-DNA position 2743, A replaced by G.
Protein change: p.Lys915Glu; replaces lysine 915 with glutamic acid.
Molecular consequence: missense variant.
Genome position (GRCh38, 1-based): chr1:207,476,260, A>G. VCF-style: chr1-207476260-A-G. GRCh37 (hg19) VCF-style: chr1-207649605-A-G.
Other names: c.2566A>G, p.Lys856Glu (NM_001877.5); short protein forms K856E, K915E.
Identifiers: ClinVar variation 643418 (VCV000643418.7), dbSNP rs144005556, ClinGen allele CA1369056.
Genomic context (GRCh38, chr1:207,476,260, plus strand): 5'-CTGAGTTAAAGACCCTTTCTTATTGGTGTCTAAGCCTTCATAGGGTGTCCACCTCCGCCT[A>G]AGACCCCTAACGGGAACCATACTGGTGGAAACATAGCTCGATTTTCTCCTGGAATGTCAA-3'
Protein context (NP_001006659.1, residues 905-925): KAFIGCPPPP[Lys915Glu]TPNGNHTGGN